The following is an entry in ClinVar:

NM_007194.4(CHEK2):c.802C>T (p.Leu268Phe)

Gene: CHEK2 (checkpoint kinase 2; minus strand). Cytogenetic location: 22q12.1.
Variant type: single nucleotide variant.
Coding change: c.802C>T on transcript NM_007194.4 (MANE Select); coding-DNA position 802, C replaced by T.
Protein change: p.Leu268Phe; replaces leucine 268 with phenylalanine.
Molecular consequence: missense variant.
Genome position (GRCh38, 1-based): chr22:28,710,050, G>A on the plus strand (C>T on the coding strand, the complement: CHEK2 is on the minus strand). VCF-style: chr22-28710050-G-A. GRCh37 (hg19) VCF-style: chr22-29106038-G-A.
Other names: c.931C>T, p.Leu311Phe (NM_001005735.3); c.139C>T, p.Leu47Phe (NM_001257387.3); c.601C>T, p.Leu201Phe (NM_001349956.3); c.802C>T, p.Leu268Phe (NM_145862.3); short protein forms L268F, L201F, L311F, L47F.
Identifiers: ClinVar variation 449980 (VCV000449980.16), dbSNP rs766462610, ClinGen allele CA10167856.
Genomic context (GRCh38, chr22:28,710,050, plus strand): 5'-ATATAATAATACTTACATGATTTAGCTTTTTCAAAATTTCTATTTCTGTTTCAACATTGA[G>A]AGCTGGGTCCTTTGATAAACAGAATAACAGAGTTTATTAGTAATAATAATTGCCAATATT-3'
Protein context (NP_009125.1, residues 258-278): IGSAREADPA[Leu268Phe]NVETEIEILK

ClinVar aggregate classification (germline): Uncertain significance. Review status: criteria provided, multiple submitters, no conflicts (2 of 4 stars). 4 submissions from 4 submitters: Uncertain significance (4). Last evaluated 2025-12-09.

Conditions:
Hereditary cancer-predisposing syndrome. Also called: Neoplastic Syndromes, Hereditary; Hereditary neoplastic syndrome; Hereditary Cancer Syndrome; Tumor predisposition. Identifiers: Orphanet 140162, MedGen C0027672, MeSH D009386, MONDO:0015356.
Familial cancer of breast. Also called: BREAST CANCER, FAMILIAL; hereditary breast carcinoma; Hereditary breast cancer. Identifiers: Orphanet 227535, MedGen C0346153, MONDO:0016419, OMIM 114480. Disease mechanism: loss of function.

Allele frequency attached by ClinVar (database versions not stated): gnomAD exomes below 0.00001; TOPMed below 0.00001; ExAC 0.00001.
gnomAD v4.1: 1 of 1,560,276 alleles (0.000064%); highest among the groups gnomAD compares: Non-Finnish European, 0.000088%; no homozygotes.

Submissions (4):

Labcorp Genetics (formerly Invitae), Labcorp
Classification: Uncertain significance for Familial cancer of breast. Last evaluated: 2025-12-09. Review status: criteria provided, single submitter. Criteria: Invitae Variant Classification Sherloc (09022015). Collection method: clinical testing. Allele origin: germline.
Comment: This sequence change replaces leucine, which is neutral and non-polar, with phenylalanine, which is neutral and non-polar, at codon 268 of the CHEK2 protein (p.Leu268Phe). The frequency data for this variant in the population databases is considered unreliable, as metrics indicate poor data quality at this position in the gnomAD database. This variant has not been reported in the literature in individuals affected with CHEK2-related conditions. ClinVar contains an entry for this variant (Variation ID: 449980). An algorithm developed to predict the effect of missense changes on protein structure and function outputs the following: PolyPhen-2: "Benign". The phenylalanine amino acid residue is found in multiple mammalian species, which suggests that this missense change does not adversely affect protein function. In summary, the available evidence is currently insufficient to determine the role of this variant in disease. Therefore, it has been classified as a Variant of Uncertain Significance.

Ambry Genetics
Classification: Uncertain significance for Hereditary cancer-predisposing syndrome. Last evaluated: 2024-10-31. Review status: criteria provided, single submitter. Criteria: Ambry Variant Classification Scheme 2023. Collection method: clinical testing. Allele origin: germline.
Comment: The p.L268F variant (also known as c.802C>T), located in coding exon 6 of the CHEK2 gene, results from a C to T substitution at nucleotide position 802. The leucine at codon 268 is replaced by phenylalanine, an amino acid with highly similar properties. This amino acid position is not well conserved in available vertebrate species. In addition, this alteration is predicted to be tolerated by in silico analysis. Based on the available evidence, the clinical significance of this variant remains unclear.

Color Diagnostics, LLC DBA Color Health
Classification: Uncertain significance for Hereditary cancer-predisposing syndrome. Last evaluated: 2018-11-13. Review status: criteria provided, single submitter. Criteria: ACMG Guidelines, 2015. Collection method: clinical testing. Allele origin: germline.

GeneDx
Classification: Uncertain significance. Last evaluated: 2017-05-25. Review status: criteria provided, single submitter. Criteria: GeneDx Variant Classification (06012015). Collection method: clinical testing. Allele origin: germline. Affected: yes.
Comment: This variant is denoted CHEK2 c.802C>T at the cDNA level, p.Leu268Phe (L268F) at the protein level, and results in the change of a Leucine to a Phenylalanine (CTC>TTC). This variant has not, to our knowledge, been published in the literature as pathogenic or benign. CHEK2 Leu268Phe was not observed at a significant allele frequency in large population cohorts (NHLBI Exome Sequencing Project, The 1000 Genomes Consortium 2015, Lek 2016). Since Leucine and Phenylalanine share similar properties, this is considered a conservative amino acid substitution. CHEK2 Leu268Phe occurs at a position that is not conserved and is located in the protein kinase domain (Desrichard 2011, Roeb 2012). In silico analyses are inconsistent regarding the effect this variant may have on protein structure and function. Based on currently available evidence, it is unclear whether CHEK2 Leu268Phe is a pathogenic or benign variant. We consider it to be a variant of uncertain significance.